The following is an entry in ClinVar:

NM_001282531.3(ADNP):c.1505C>T (p.Thr502Ile)

Gene: ADNP (activity dependent neuroprotector homeobox; minus strand). Cytogenetic location: 20q13.13.
Variant type: single nucleotide variant.
Coding change: c.1505C>T on transcript NM_001282531.3 (MANE Select); coding-DNA position 1505, C replaced by T.
Protein change: p.Thr502Ile; replaces threonine 502 with isoleucine.
Molecular consequence: missense variant.
Genome position (GRCh38, 1-based): chr20:50,893,209, G>A on the plus strand (C>T on the coding strand, the complement: ADNP is on the minus strand). VCF-style: chr20-50893209-G-A. GRCh37 (hg19) VCF-style: chr20-49509746-G-A.
Other names: c.1505C>T, p.Thr502Ile (NM_001282532.2, NM_001347511.2, NM_015339.5 and 1 more transcripts); short protein forms T502I.
Identifiers: ClinVar variation 2504474 (VCV002504474.1), dbSNP rs2515584638, ClinGen allele CA408973318.

ClinVar aggregate classification (germline): Uncertain significance (1 of 4 stars; one submission).

Allele frequency attached by ClinVar (database versions not stated): gnomAD exomes below 0.00001.
gnomAD v4.1: 1 of 1,614,250 alleles (0.000062%); highest among the groups gnomAD compares: Non-Finnish European, 0.000085%; no homozygotes.

Submission:

GeneDx
Classification: Uncertain significance. Last evaluated: 2022-12-05. Review status: criteria provided, single submitter. Criteria: GeneDx Variant Classification Process June 2021. Collection method: clinical testing. Allele origin: germline. Affected: yes.
Comment: Not observed at significant frequency in large population cohorts (gnomAD); In silico analysis supports that this missense variant has a deleterious effect on protein structure/function; Has not been previously published as pathogenic or benign to our knowledge